The following is an entry in ClinVar:

NM_005022.4(PFN1):c.220A>G (p.Ile74Val)

Gene: PFN1 (profilin 1; minus strand). Cytogenetic location: 17p13.2.
Variant type: single nucleotide variant.
Coding change: c.220A>G on transcript NM_005022.4 (MANE Select); coding-DNA position 220, A replaced by G.
Protein change: p.Ile74Val; replaces isoleucine 74 with valine.
Molecular consequence: missense variant.
Genome position (GRCh38, 1-based): chr17:4,946,733, T>C on the plus strand (A>G on the coding strand, the complement: PFN1 is on the minus strand). VCF-style: chr17-4946733-T-C. GRCh37 (hg19) VCF-style: chr17-4850028-T-C.
Other names: c.220A>G, p.Ile74Val (NM_001375991.1); short protein forms I74V.
Identifiers: ClinVar variation 1388494 (VCV001388494.6), dbSNP rs2151134730, ClinGen allele CA397273519.

ClinVar aggregate classification (germline): Uncertain significance (1 of 4 stars; one submission).

Submission:

Labcorp Genetics (formerly Invitae), Labcorp
Classification: Uncertain significance. Last evaluated: 2021-10-21. Review status: criteria provided, single submitter. Criteria: Invitae Variant Classification Sherloc (09022015). Collection method: clinical testing. Allele origin: germline.
Comment: This sequence change replaces isoleucine with valine at codon 74 of the PFN1 protein (p.Ile74Val). The isoleucine residue is highly conserved and there is a small physicochemical difference between isoleucine and valine. This variant is not present in population databases (ExAC no frequency). This variant has not been reported in the literature in individuals affected with PFN1-related conditions. Algorithms developed to predict the effect of missense changes on protein structure and function (SIFT, PolyPhen-2, Align-GVGD) all suggest that this variant is likely to be tolerated. In summary, the available evidence is currently insufficient to determine the role of this variant in disease. Therefore, it has been classified as a Variant of Uncertain Significance.